The following is an entry in ClinVar:

NM_000701.8(ATP1A1):c.1939C>G (p.Arg647Gly)

Genes: ATP1A1 (ATPase Na+/K+ transporting subunit alpha 1; plus strand), ATP1A1-AS1 (ATP1A1 antisense RNA 1; minus strand). Cytogenetic location: 1p13.1.
Variant type: single nucleotide variant.
Coding change: c.1939C>G on transcript NM_000701.8 (MANE Select); coding-DNA position 1939, C replaced by G.
Protein change: p.Arg647Gly; replaces arginine 647 with glycine.
Molecular consequence: missense variant.
Genome position (GRCh38, 1-based): chr1:116,396,700, C>G. VCF-style: chr1-116396700-C-G. GRCh37 (hg19) VCF-style: chr1-116939322-C-G.
Other names: c.1939C>G, p.Arg647Gly (NM_001160233.2); c.1846C>G, p.Arg616Gly (NM_001160234.2); short protein forms R647G, R616G.
Identifiers: ClinVar variation 2825915 (VCV002825915.3), dbSNP rs1238522812, ClinGen allele CA341772242.

ClinVar aggregate classification (germline): Uncertain significance (1 of 4 stars; one submission).

Submission:

Labcorp Genetics (formerly Invitae), Labcorp
Classification: Uncertain significance. Last evaluated: 2023-05-25. Review status: criteria provided, single submitter. Criteria: Invitae Variant Classification Sherloc (09022015). Collection method: clinical testing. Allele origin: germline.
Comment: This variant has not been reported in the literature in individuals affected with ATP1A1-related conditions. This variant is not present in population databases (gnomAD no frequency). This sequence change replaces arginine, which is basic and polar, with glycine, which is neutral and non-polar, at codon 647 of the ATP1A1 protein (p.Arg647Gly). Advanced modeling of protein sequence and biophysical properties (such as structural, functional, and spatial information, amino acid conservation, physicochemical variation, residue mobility, and thermodynamic stability) performed at Invitae indicates that this missense variant is not expected to disrupt ATP1A1 protein function. In summary, the available evidence is currently insufficient to determine the role of this variant in disease. Therefore, it has been classified as a Variant of Uncertain Significance.